The following is an entry in ClinVar:

NM_001379291.1(BRD4):c.1718C>T (p.Thr573Met)

Gene: BRD4 (bromodomain containing 4; minus strand). Cytogenetic location: 19p13.12.
Variant type: single nucleotide variant.
Coding change: c.1718C>T on transcript NM_001379291.1 (MANE Select); coding-DNA position 1718, C replaced by T.
Protein change: p.Thr573Met; replaces threonine 573 with methionine.
Molecular consequence: missense variant.
Genome position (GRCh38, 1-based): chr19:15,256,097, G>A on the plus strand (C>T on the coding strand, the complement: BRD4 is on the minus strand). VCF-style: chr19-15256097-G-A. GRCh37 (hg19) VCF-style: chr19-15366908-G-A.
Other names: c.1718C>T, p.Thr573Met (NM_001330384.2, NM_001379292.1, NM_014299.3 and 1 more transcripts); c.1718C>T (NM_058243.2); short protein forms T573M.
Identifiers: ClinVar variation 2869757 (VCV002869757.4), dbSNP rs150583855, ClinGen allele CA9265305.

ClinVar aggregate classification (germline): Uncertain significance. Review status: criteria provided, multiple submitters, no conflicts (2 of 4 stars). 2 submissions from 2 submitters: Uncertain significance (2). Last evaluated 2025-08-06.

Conditions:
Inborn genetic diseases. Identifiers: MedGen C0950123, MeSH D030342.

Allele frequency attached by ClinVar (database versions not stated): ESP Exome Variant Server 0.00008; TOPMed 0.00003.
gnomAD v4.1: 45 of 1,611,626 alleles (0.0028%); highest among the groups gnomAD compares: East Asian, 0.025%; 1 homozygote.

Submissions (2):

Labcorp Genetics (formerly Invitae), Labcorp
Classification: Uncertain significance. Last evaluated: 2025-08-06. Review status: criteria provided, single submitter. Criteria: Invitae Variant Classification Sherloc (09022015). Collection method: clinical testing. Allele origin: germline.
Comment: This sequence change replaces threonine, which is neutral and polar, with methionine, which is neutral and non-polar, at codon 573 of the BRD4 protein (p.Thr573Met). This variant is present in population databases (rs150583855, gnomAD 0.01%). This variant has not been reported in the literature in individuals affected with BRD4-related conditions. ClinVar contains an entry for this variant (Variation ID: 2869757). Invitae Evidence Modeling of protein sequence and biophysical properties (such as structural, functional, and spatial information, amino acid conservation, physicochemical variation, residue mobility, and thermodynamic stability) indicates that this missense variant is not expected to disrupt BRD4 protein function with a negative predictive value of 80%. In summary, the available evidence is currently insufficient to determine the role of this variant in disease. Therefore, it has been classified as a Variant of Uncertain Significance.

Ambry Genetics
Classification: Uncertain significance for Inborn genetic diseases. Last evaluated: 2025-03-22. Review status: criteria provided, single submitter. Criteria: Ambry Variant Classification Scheme 2023. Collection method: clinical testing. Allele origin: germline.